The following is an entry in ClinVar:

NM_002907.4(RECQL):c.1856dup (p.Asn619fs)

Genes: PYROXD1 (pyridine nucleotide-disulphide oxidoreductase domain 1; plus strand), RECQL (RecQ like helicase; minus strand). Cytogenetic location: 12p12.1.
Variant type: Duplication.
Coding change: c.1856dup on transcript NM_002907.4 (MANE Select); coding-DNA position 1856, one base duplicated (A; older notation c.1856dupA).
Protein change: p.Asn619fs; shifts the reading frame from asparagine 619.
Molecular consequence: frameshift variant. On other transcripts: 3 prime UTR variant (3).
Genome position (GRCh38, 1-based): chr12:21,470,288, T duplicated on the plus strand (A on the coding strand, the reverse complement: RECQL is on the minus strand); the first of 7 consecutive T bases (chr12:21,470,288-21,470,294); duplicating any one gives the same sequence. VCF-style (leftmost placement, unchanged base first): chr12-21470287-A-AT. GRCh37 (hg19) VCF-style: chr12-21623221-A-AT.
Other names: c.*1540dup (NM_001350913.2, NM_024854.5, NM_001350912.2); c.1856dup, p.Asn619fs (NM_032941.3); c.1856dupA (NM_002907.3); short protein forms N619fs.
Identifiers: ClinVar variation 958815 (VCV000958815.12), dbSNP rs1942906383, ClinGen allele CA1139662542.

ClinVar aggregate classification (germline): Uncertain significance. Review status: criteria provided, multiple submitters, no conflicts (2 of 4 stars). 2 submissions from 2 submitters: Uncertain significance (2). Last evaluated 2026-08-05.

Submissions (2):

Ambry Genetics
Classification: Uncertain significance. Last evaluated: 2026-08-05. Review status: criteria provided, single submitter. Criteria: Ambry Variant Classification Scheme 2023. Collection method: clinical testing. Allele origin: germline.
Comment: The c.1856dupA variant, located in coding exon 14 of the RECQL gene, results from a duplication of A at nucleotide position 1856, causing a translational frameshift with a predicted alternate stop codon (p.N619Kfs*19). This variant occurs at the 3' terminus of the gene and is not expected to trigger nonsense-mediated mRNA decay. Based on the available evidence, the clinical significance of this variant remains unclear.

Labcorp Genetics (formerly Invitae), Labcorp
Classification: Uncertain significance. Last evaluated: 2022-11-22. Review status: criteria provided, single submitter. Criteria: Invitae Variant Classification Sherloc (09022015). Collection method: clinical testing. Allele origin: germline.
Comment: Experimental studies and prediction algorithms are not available or were not evaluated, and the functional significance of this variant is currently unknown. In summary, the available evidence is currently insufficient to determine the role of this variant in disease. Therefore, it has been classified as a Variant of Uncertain Significance. ClinVar contains an entry for this variant (Variation ID: 958815). This premature translational stop signal has been observed in individual(s) with breast cancer (PMID: 28724667). This variant is not present in population databases (gnomAD no frequency). This sequence change creates a premature translational stop signal (p.Asn619Lysfs*19) in the RECQL gene. While this is not anticipated to result in nonsense mediated decay, it is expected to disrupt the last 31 amino acid(s) of the RECQL protein.

Literature cited by the submitters: PubMed 28724667 (cited by Labcorp Genetics (formerly Invitae), Labcorp).